The following is an entry in ClinVar:

ClinVar aggregate classification (germline): Benign (3 of 4 stars; one submission).

Conditions:
Breast-ovarian cancer, familial, susceptibility to, 2 (BROVCA2). Also called: BRCA2 Hereditary Breast and Ovarian Cancer. Identifiers: Orphanet 145, MedGen C2675520, MONDO:0012933, OMIM 612555. Disease mechanism: loss of function.

Allele frequency attached by ClinVar (database versions not stated): gnomAD 0.00593 and 0.00653; TOPMed 0.01056; 1000 Genomes Project 0.01498; 1000 Genomes Project 30x 0.01546.
gnomAD v4.1: 993 of 152,138 alleles (0.65%); highest among the groups gnomAD compares: East Asian, 4.6%; 36 homozygotes.

Submission:

Evidence-based Network for the Interpretation of Germline Mutant Alleles (ENIGMA)
Classification: Benign for Breast-ovarian cancer, familial 2. Last evaluated: 2015-01-12. Review status: reviewed by expert panel. Criteria: ENIGMA BRCA1/2 Classification Criteria (2015). Collection method: curation. Allele origin: germline.
Comment: Class 1 not pathogenic based on frequency >1% in an outbred sampleset. Frequency 0.03846 (Asian), derived from 1000 genomes (2012-04-30).

NM_000059.4(BRCA2):c.6937+978A>T

Gene: BRCA2 (BRCA2 DNA repair associated; plus strand). Cytogenetic location: 13q13.1.
Variant type: single nucleotide variant.
Coding change: c.6937+978A>T on transcript NM_000059.4 (MANE Select); 978 bases into the intron after coding-DNA position 6937, A replaced by T.
Molecular consequence: intron variant.
Genome position (GRCh38, 1-based): chr13:32,345,631, A>T. VCF-style: chr13-32345631-A-T. GRCh37 (hg19) VCF-style: chr13-32919768-A-T.
Other names: IVS 12+978A>T.
Identifiers: ClinVar variation 209709 (VCV000209709.1), dbSNP rs11571676, ClinGen allele CA276677.